The following is an entry in ClinVar:

ClinVar aggregate classification (germline): Benign (1 of 4 stars; one submission).

Conditions:
Pitt-Hopkins syndrome (PTHS). Also called: ENCEPHALOPATHY, SEVERE EPILEPTIC, WITH AUTONOMIC DYSFUNCTION; MENTAL RETARDATION, SYNDROMAL, WITH INTERMITTENT HYPERVENTILATION. Identifiers: Orphanet 2896, MedGen C1970431, MONDO:0012589, OMIM 610954.

Allele frequency attached by ClinVar (database versions not stated): gnomAD 0.00230 and 0.00235; TOPMed 0.00245; 1000 Genomes Project 30x 0.00437; 1000 Genomes Project 0.00479.

Submission:

Illumina Laboratory Services, Illumina
Classification: Benign for Pitt-Hopkins syndrome. Last evaluated: 2018-01-12. Review status: criteria provided, single submitter. Criteria: ICSL Variant Classification Criteria 13 December 2019. Collection method: clinical testing. Allele origin: germline.
Comment: This variant was observed in the ICSL laboratory as part of a predisposition screen in an ostensibly healthy population. It had not been previously curated by ICSL or reported in the Human Gene Mutation Database (HGMD: prior to June 1st, 2018), and was therefore a candidate for classification through an automated scoring system. Utilizing variant allele frequency, disease prevalence and penetrance estimates, and inheritance mode, an automated score was calculated to assess if this variant is too frequent to cause the disease. Based on the score and internal cut-off values, a variant classified as benign is not then subjected to further curation. The score for this variant resulted in a classification of benign for this disease.

NM_001083962.2(TCF4):c.*5019T>C

Gene: TCF4 (transcription factor 4; minus strand). Cytogenetic location: 18q21.2.
Variant type: single nucleotide variant.
Coding change: c.*5019T>C on transcript NM_001083962.2 (MANE Select); 5019 bases downstream of the stop codon, T replaced by C.
Molecular consequence: 3 prime UTR variant.
Genome position (GRCh38, 1-based): chr18:55,223,016, A>G on the plus strand (T>C on the coding strand, the complement: TCF4 is on the minus strand). VCF-style: chr18-55223016-A-G. GRCh37 (hg19) VCF-style: chr18-52890247-A-G.
Other names: c.*5019T>C (NM_001243226.3, NM_001243227.2, NM_001243228.2 and 42 more transcripts).
Identifiers: ClinVar variation 327232 (VCV000327232.5), dbSNP rs140368699, ClinGen allele CA10651828.